The following is an entry in ClinVar:

NM_001111125.3(IQSEC2):c.3875C>T (p.Pro1292Leu)

Gene: IQSEC2 (IQ motif and Sec7 domain ArfGEF 2; minus strand). Cytogenetic location: Xp11.22.
Variant type: single nucleotide variant.
Coding change: c.3875C>T on transcript NM_001111125.3 (MANE Select); coding-DNA position 3875, C replaced by T.
Protein change: p.Pro1292Leu; replaces proline 1292 with leucine.
Molecular consequence: missense variant. On other transcripts: 3 prime UTR variant (2).
Genome position (GRCh38, 1-based): chrX:53,234,811, G>A on the plus strand (C>T on the coding strand, the complement: IQSEC2 is on the minus strand). VCF-style: chrX-53234811-G-A. GRCh37 (hg19) VCF-style: chrX-53263993-G-A.
Other names: c.*360C>T (NM_001410736.1, NM_015075.2); short protein forms P1292L.
Identifiers: ClinVar variation 3620824 (VCV003620824.2).
Genomic context (GRCh38, chrX:53,234,811, plus strand): 5'-GAGGCGGGAGGCGGTGGAATGGAGCCCAGCTGGGGCAAGGGTGGGGGCTGCTGGGGAGGT[G>A]GGGGAAGAGAGGGCTGCTGGGGTGGGAGGTAGGGTGGCGGGGCAGGGCCCGGTCCTTGGC-3'
Protein context (NP_001104595.1, residues 1282-1302): YLPPQQPSLP[Pro1292Leu]PPQQPPPLPQ

ClinVar aggregate classification (germline): Uncertain significance (1 of 4 stars; one submission).

Conditions:
Intellectual developmental disorder, X-linked 1. Also called: Atkin Flaitz Patil Smith syndrome; MENTAL RETARDATION, X-LINKED 18; MENTAL RETARDATION, X-LINKED 78; Intellectual disability, X-linked 1. Identifiers: Orphanet 777, MedGen C2931498, MONDO:0010656, OMIM 309530.

gnomAD v4.1: 1 of 1,120,230 alleles (0.000089%); highest among the groups gnomAD compares: Non-Finnish European, 0.00012%; no homozygotes.

Submission:

Labcorp Genetics (formerly Invitae), Labcorp
Classification: Uncertain significance for Intellectual developmental disorder, X-linked 1. Last evaluated: 2024-07-16. Review status: criteria provided, single submitter. Criteria: Invitae Variant Classification Sherloc (09022015). Collection method: clinical testing. Allele origin: germline.
Comment: This sequence change replaces proline, which is neutral and non-polar, with leucine, which is neutral and non-polar, at codon 1292 of the IQSEC2 protein (p.Pro1292Leu). This variant is not present in population databases (gnomAD no frequency). This variant has not been reported in the literature in individuals affected with IQSEC2-related conditions. Advanced modeling of protein sequence and biophysical properties (such as structural, functional, and spatial information, amino acid conservation, physicochemical variation, residue mobility, and thermodynamic stability) performed at Invitae indicates that this missense variant is not expected to disrupt IQSEC2 protein function with a negative predictive value of 95%. In summary, the available evidence is currently insufficient to determine the role of this variant in disease. Therefore, it has been classified as a Variant of Uncertain Significance.